The following is an entry in ClinVar:

NM_001165963.4(SCN1A):c.4476+1A>T

Genes: SCN1A (sodium voltage-gated channel alpha subunit 1; minus strand), LOC102724058 (uncharacterized LOC102724058; plus strand). Cytogenetic location: 2q24.3.
Variant type: single nucleotide variant.
Coding change: c.4476+1A>T on transcript NM_001165963.4 (MANE Select); the canonical splice donor site of the intron after coding-DNA position 4476, A replaced by T.
Molecular consequence: splice donor variant.
Genome position (GRCh38, 1-based): chr2:165,998,037, T>A on the plus strand (A>T on the coding strand, the complement: SCN1A is on the minus strand). VCF-style: chr2-165998037-T-A. GRCh37 (hg19) VCF-style: chr2-166854547-T-A.
Other names: c.4443+1A>T (NM_001353949.2, NM_001353950.2, NM_001353951.2 and 2 more transcripts); c.4392+1A>T (NM_001353958.2, NM_001353957.2, NM_001165964.3); c.4476+1A>T (NM_001202435.3, NM_001353948.2); c.4440+1A>T (NM_001353955.2, NM_001353954.2); c.4389+1A>T (NM_001353960.2); c.2034+1A>T (NM_001353961.2).
Identifiers: ClinVar variation 206832 (VCV000206832.2), dbSNP rs796053014, ClinGen allele CA317476.

ClinVar aggregate classification (germline): Pathogenic (1 of 4 stars; one submission).

Submission:

GeneDx
Classification: Pathogenic. Last evaluated: 2012-12-17. Review status: criteria provided, single submitter. Criteria: GeneDx Variant Classification (06012015). Collection method: clinical testing. Allele origin: germline. Affected: yes.
Comment: c.4476+1 A>T: IVS23+1 A>T in intron 23 of the SCN1A gene (NM_001165963.1) The c.4476+1 A>T missense change has not been published as a mutation, nor has it been reported as a benign polymorphism to our knowledge. The NHLBI ESP Exome Variant Project has not identified c.4476+1 A>T in approximately 6,500 individuals of European or African American ethnicity, indicating that it is not a common benign variant in these populations. Mutations involving the splice sites of the SCN1A gene have been reported in association with SCN1A-related disorders (Kumakura et al., 2009; Depienne et al., 2009). The c.4476+1 A>T mutation destroys the natural splice donor site at intron 23 junction and is expected to lead to abnormal gene splicing. This is predicted to lead to either an abnormal message which is subject to nonsense-mediated mRNA decay or to an abnormal protein product if the message is used for protein translation. The variant is found in INFANT-EPI panel(s).